The following is an entry in ClinVar:

ClinVar aggregate classification (germline): Uncertain significance. Review status: criteria provided, multiple submitters, no conflicts (2 of 4 stars). 4 submissions from 4 submitters: Uncertain significance (4). Last evaluated 2026-05-18.

Conditions:
Wilson disease (WND). Also called: Wilson's disease. Identifiers: Orphanet 905, MedGen C0019202, MONDO:0010200, OMIM 277900. Disease mechanism: loss of function.

Allele frequency attached by ClinVar (database versions not stated): ExAC 0.00004; ESP Exome Variant Server 0.00008; gnomAD exomes 0.00002.
gnomAD v4.1: 24 of 1,613,236 alleles (0.0015%); highest among the groups gnomAD compares: African/African-American, 0.032%; no homozygotes.

Submissions (4):

Women's Health and Genetics/Laboratory Corporation of America, LabCorp
Classification: Uncertain significance. Last evaluated: 2026-05-18. Review status: criteria provided, single submitter. Criteria: LabCorp Variant Classification Summary - May 2015. Collection method: clinical testing. Allele origin: germline.

Labcorp Genetics (formerly Invitae), Labcorp
Classification: Uncertain significance for Wilson disease. Last evaluated: 2024-12-09. Review status: criteria provided, single submitter. Criteria: Invitae Variant Classification Sherloc (09022015). Collection method: clinical testing. Allele origin: germline.
Comment: This sequence change replaces valine, which is neutral and non-polar, with leucine, which is neutral and non-polar, at codon 1349 of the ATP7B protein (p.Val1349Leu). This variant is present in population databases (rs374924611, gnomAD 0.03%). This variant has not been reported in the literature in individuals affected with ATP7B-related conditions. ClinVar contains an entry for this variant (Variation ID: 1525910). Invitae Evidence Modeling of protein sequence and biophysical properties (such as structural, functional, and spatial information, amino acid conservation, physicochemical variation, residue mobility, and thermodynamic stability) indicates that this missense variant is not expected to disrupt ATP7B protein function with a negative predictive value of 80%. In summary, the available evidence is currently insufficient to determine the role of this variant in disease. Therefore, it has been classified as a Variant of Uncertain Significance.

All of Us Research Program, National Institutes of Health
Classification: Uncertain significance for Wilson disease. Last evaluated: 2024-09-23. Review status: criteria provided, single submitter. Criteria: ACMG Guidelines, 2015. Collection method: clinical testing. Allele origin: germline. Inheritance: Autosomal recessive inheritance. Observed: 6 variant alleles, 6 heterozygotes.
Comment: This missense variant replaces valine with leucine at codon 1349 of the ATP7B protein. Computational prediction suggests that this variant may have deleterious impact on protein structure and function (internally defined REVEL score threshold >= 0.7, PMID: 27666373). To our knowledge, functional studies have not been reported for this variant. This variant has not been reported in individuals affected with Wilson disease in the literature. This variant has been identified in 6/276148 chromosomes in the general population by the Genome Aggregation Database (gnomAD). The available evidence is insufficient to determine the role of this variant in disease conclusively. Therefore, this variant is classified as a Variant of Uncertain Significance.

This study involves interpretation of variants in research participants for the purpose of population health screening. Participant phenotype was not available at the time of variant classification. Additional details can be found in publication PMID: 35346344, PMCID: PMC8962531

Fulgent Genetics
Classification: Uncertain significance for Wilson disease. Last evaluated: 2024-04-04. Review status: criteria provided, single submitter. Criteria: ACMG Guidelines, 2015. Collection method: clinical testing. Allele origin: germline.

NM_000053.4(ATP7B):c.4045G>C (p.Val1349Leu)

Gene: ATP7B (ATPase copper transporting beta; minus strand). Cytogenetic location: 13q14.3.
Variant type: single nucleotide variant.
Coding change: c.4045G>C on transcript NM_000053.4 (MANE Select); coding-DNA position 4045, G replaced by C.
Protein change: p.Val1349Leu; replaces valine 1349 with leucine.
Molecular consequence: missense variant.
Genome position (GRCh38, 1-based): chr13:51,935,672, C>G on the plus strand (G>C on the coding strand, the complement: ATP7B is on the minus strand). VCF-style: chr13-51935672-C-G. GRCh37 (hg19) VCF-style: chr13-52509808-C-G.
Other names: c.3424G>C, p.Val1142Leu (NM_001005918.3); c.3712G>C, p.Val1238Leu (NM_001243182.2); c.3811G>C, p.Val1271Leu (NM_001330578.2); c.3793G>C, p.Val1265Leu (NM_001330579.2); short protein forms V1349L, V1271L, V1238L, V1142L, V1265L.
Identifiers: ClinVar variation 1525910 (VCV001525910.11), dbSNP rs374924611, ClinGen allele CA6988500.